The following is an entry in ClinVar:

NM_053025.4(MYLK):c.581G>C (p.Trp194Ser)

Gene: MYLK (myosin light chain kinase; minus strand). Cytogenetic location: 3q21.1.
Variant type: single nucleotide variant.
Coding change: c.581G>C on transcript NM_053025.4 (MANE Select); coding-DNA position 581, G replaced by C.
Protein change: p.Trp194Ser; replaces tryptophan 194 with serine.
Molecular consequence: missense variant.
Genome position (GRCh38, 1-based): chr3:123,738,904, C>G on the plus strand (G>C on the coding strand, the complement: MYLK is on the minus strand). VCF-style: chr3-123738904-C-G. GRCh37 (hg19) VCF-style: chr3-123457751-C-G.
Other names: c.53G>C, p.Trp18Ser (NM_001321309.2); c.581G>C, p.Trp194Ser (NM_053026.4, NM_053027.4, NM_053028.4); short protein forms W18S, W194S.
Identifiers: ClinVar variation 5025199 (VCV005025199.1).
Genomic context (GRCh38, chr3:123,738,904, plus strand): 5'-TGAGAACAGACTAATACAGGCTGGATCAGGGTCAGGGCAGACAGAAACCTCACCTTGAGC[C>G]AGGTGACCTGCGGTTGGGGCCGGCCAGTGATCTTGCAGGAGAATCGTCCCATCTGTCCTT-3'
Protein context (NP_444253.3, residues 184-204): ITGRPQPQVT[Trp194Ser]LKGNVPLQPS

ClinVar aggregate classification (germline): Uncertain significance (1 of 4 stars; one submission).

Conditions:
Familial thoracic aortic aneurysm and aortic dissection (TAAD). Also called: Thoracic aortic aneurysms and dissections. Identifiers: Orphanet 91387, MedGen C4707243, MONDO:0019625.

Submission:

Ambry Genetics
Classification: Uncertain significance for Familial thoracic aortic aneurysm and aortic dissection. Last evaluated: 2026-07-01. Review status: criteria provided, single submitter. Criteria: Ambry Variant Classification Scheme 2023. Collection method: clinical testing. Allele origin: germline.
Comment: The p.W194S variant (also known as c.581G>C), located in coding exon 4 of the MYLK gene, results from a G to C substitution at nucleotide position 581. The tryptophan at codon 194 is replaced by serine, an amino acid with highly dissimilar properties. This amino acid position is conserved. In addition, this alteration is predicted to be deleterious by in silico analysis. Based on the available evidence, the clinical significance of this variant remains unclear.